The following is an entry in ClinVar:

ClinVar aggregate classification (germline): Conflicting classifications of pathogenicity. Review status: criteria provided, conflicting classifications (1 of 4 stars). 2 submissions from 2 submitters: Uncertain significance (1); Likely benign (1). Last evaluated 2024-01-12.

Conditions:
Amyotrophic lateral sclerosis type 4 (ALS4). Also called: AMYOTROPHIC LATERAL SCLEROSIS 4, JUVENILE; NEURONOPATHY, DISTAL HEREDITARY MOTOR, WITH PYRAMIDAL FEATURES. Identifiers: Orphanet 357043, MedGen C1865409, MONDO:0011223, OMIM 602433.
Spinocerebellar ataxia, autosomal recessive, with axonal neuropathy 2 (SCAN2). Also called: Ataxia with Oculomotor Apraxia; ATAXIA-OCULOMOTOR APRAXIA 2; Ataxia-ocular apraxia-2; Ataxia with Oculomotor Apraxia Type 2. Identifiers: Orphanet 64753, MedGen C1853761, MONDO:0018996, OMIM 606002.

Allele frequency attached by ClinVar (database versions not stated): gnomAD exomes below 0.00001; TOPMed below 0.00001; ESP Exome Variant Server 0.00008.
gnomAD v4.1: 2 of 1,614,126 alleles (0.00012%); highest among the groups gnomAD compares: Non-Finnish European, 0.00017%; no homozygotes.

Submissions (2):

Athena Diagnostics
Classification: Uncertain significance. Last evaluated: 2024-01-12. Review status: criteria provided, single submitter. Criteria: Athena Diagnostics Criteria. Collection method: clinical testing. Allele origin: unknown.
Comment: Available data are insufficient to determine the clinical significance of the variant at this time. The frequency of this variant in the general population is uninformative in assessment of its pathogenicity. Computational tools predict that this variant is not damaging.

Labcorp Genetics (formerly Invitae), Labcorp
Classification: Likely benign for Amyotrophic lateral sclerosis type 4; Spinocerebellar ataxia, autosomal recessive, with axonal neuropathy 2. Last evaluated: 2023-02-21. Review status: criteria provided, single submitter. Criteria: Invitae Variant Classification Sherloc (09022015). Collection method: clinical testing. Allele origin: germline.

NM_015046.7(SETX):c.7074T>G (p.Asp2358Glu)

Gene: SETX (senataxin; minus strand). Cytogenetic location: 9q34.13.
Variant type: single nucleotide variant.
Coding change: c.7074T>G on transcript NM_015046.7 (MANE Select); coding-DNA position 7074, T replaced by G.
Protein change: p.Asp2358Glu; replaces aspartic acid 2358 with glutamic acid.
Molecular consequence: missense variant.
Genome position (GRCh38, 1-based): chr9:132,275,282, A>C on the plus strand (T>G on the coding strand, the complement: SETX is on the minus strand). VCF-style: chr9-132275282-A-C. GRCh37 (hg19) VCF-style: chr9-135150669-A-C.
Other names: c.7074T>G, p.Asp2358Glu (NM_001351527.2, NM_001351528.2); short protein forms D2358E.
Identifiers: ClinVar variation 2938093 (VCV002938093.4), dbSNP rs138508512, ClinGen allele CA200798220.